The following is an entry in ClinVar:

NM_000719.7(CACNA1C):c.3946-43del

Gene: CACNA1C (calcium voltage-gated channel subunit alpha1 C; plus strand). Cytogenetic location: 12p13.33.
Variant type: Deletion.
Coding change: c.3946-43del on transcript NM_000719.7 (MANE Select); 43 bases into the intron before coding-DNA position 3946, one base deleted (T; older notation c.3946-43delT).
Molecular consequence: intron variant. On other transcripts: frameshift variant (1).
Genome position (GRCh38, 1-based): chr12:2,651,597, T deleted. VCF-style (leftmost placement, unchanged base first): chr12-2651596-CT-C. GRCh37 (hg19) VCF-style: chr12-2760762-CT-C.
Other names: c.3969del, p.Ala1325fs (NM_001129829.2); c.3946-43del (NM_001167624.3, NM_001167623.2, NM_001129840.2 and 7 more transcripts); c.3913-43del (NM_001167625.2, NM_001129837.2, NM_001129838.2 and 1 more transcripts); c.4090-43del (NM_199460.4, NM_001129827.2); c.4006-43del (NM_001129832.2); c.4030-43del (NM_001129831.2); c.3907-43del (NM_001129839.2); c.3997-43del (NM_001129836.2); and 1 more; short protein forms A1325fs.
Identifiers: ClinVar variation 2632714 (VCV002632714.1), dbSNP rs1555962470, ClinGen allele CA603040366.

ClinVar aggregate classification (germline): Likely pathogenic (1 of 4 stars; one submission).

Conditions:
CACNA1C-related disorder. Also called: CACNA1C-related condition; CACNA1C-related disorders. Identifiers: MedGen CN381092, MONDO:0700321.

Allele frequency attached by ClinVar (database versions not stated): gnomAD exomes below 0.00001; gnomAD 0.00001.

Submission:

PreventionGenetics, part of Exact Sciences
Classification: Likely pathogenic for CACNA1C-related condition. Last evaluated: 2023-06-12. Review status: criteria provided, single submitter. Criteria: ACMG Guidelines, 2015. Collection method: clinical testing. Allele origin: germline.
Comment: The CACNA1C c.3969delT variant is predicted to result in a frameshift and premature protein termination (p.Ala1325Leufs*3). To our knowledge, this variant has not been reported in the literature. This variant is reported in 0.0040% of alleles in individuals of European (Finnish) descent in gnomAD. Frameshift variants in CACNA1C are expected to be pathogenic. This variant is interpreted as likely pathogenic.